The following is an entry in ClinVar:

NM_001018115.3(FANCD2):c.2810A>G (p.His937Arg)

Genes: FANCD2 (FA complementation group D2; plus strand), LOC107303338 (3p25 FANCD2 Alu-mediated recombination region; plus strand). Cytogenetic location: 3p25.3.
Variant type: single nucleotide variant.
Coding change: c.2810A>G on transcript NM_001018115.3 (MANE Select); coding-DNA position 2810, A replaced by G.
Protein change: p.His937Arg; replaces histidine 937 with arginine.
Molecular consequence: missense variant.
Genome position (GRCh38, 1-based): chr3:10,074,624, A>G. VCF-style: chr3-10074624-A-G. GRCh37 (hg19) VCF-style: chr3-10116308-A-G.
Other names: c.2810A>G, p.His937Arg (NM_001319984.2, NM_001374254.1, NM_033084.6); c.2699A>G, p.His900Arg (NM_001374253.1); c.2810A>G (NM_033084.4); short protein forms H937R, H900R.
Identifiers: ClinVar variation 565427 (VCV000565427.10), dbSNP rs746389067, ClinGen allele CA2250193.

ClinVar aggregate classification (germline): Conflicting classifications of pathogenicity. Review status: criteria provided, conflicting classifications (1 of 4 stars). 3 submissions from 3 submitters: Uncertain significance (2); Likely benign (1). Last evaluated 2025-12-15.

Conditions:
Fanconi anemia (FA). Also called: Fanconi's anemia. Identifiers: Orphanet 84, MedGen C0015625, MeSH D005199, MONDO:0019391.
Fanconi anemia complementation group D2. Also called: FANCD2-Related Fanconi Anemia; FANCONI PANCYTOPENIA, TYPE 4; FANCONI ANEMIA, COMPLEMENTATION GROUP D. Identifiers: Orphanet 84, MedGen C3160738, MONDO:0009214, OMIM 227646.

Allele frequency attached by ClinVar (database versions not stated): gnomAD 0.00001; TOPMed 0.00001; ExAC 0.00002; gnomAD exomes 0.00002 and 0.00005.
gnomAD v4.1: 69 of 1,613,652 alleles (0.0043%); highest among the groups gnomAD compares: Middle Eastern, 0.016%; no homozygotes.

Submissions (3):

Labcorp Genetics (formerly Invitae), Labcorp
Classification: Uncertain significance for Fanconi anemia. Last evaluated: 2025-12-15. Review status: criteria provided, single submitter. Criteria: Invitae Variant Classification Sherloc (09022015). Collection method: clinical testing. Allele origin: germline.
Comment: This sequence change replaces histidine, which is basic and polar, with arginine, which is basic and polar, at codon 937 of the FANCD2 protein (p.His937Arg). This variant is present in population databases (rs746389067, gnomAD 0.004%). This variant has not been reported in the literature in individuals affected with FANCD2-related conditions. ClinVar contains an entry for this variant (Variation ID: 565427). Invitae Evidence Modeling of protein sequence and biophysical properties (such as structural, functional, and spatial information, amino acid conservation, physicochemical variation, residue mobility, and thermodynamic stability) indicates that this missense variant is not expected to disrupt FANCD2 protein function with a negative predictive value of 80%. In summary, the available evidence is currently insufficient to determine the role of this variant in disease. Therefore, it has been classified as a Variant of Uncertain Significance.

Blueprint Genetics
Classification: Likely benign. Last evaluated: 2024-08-22. Review status: criteria provided, single submitter. Criteria: ACMG Guidelines, 2015. Collection method: clinical testing. Allele origin: germline.

Fulgent Genetics
Classification: Uncertain significance for Fanconi anemia complementation group D2. Last evaluated: 2024-06-03. Review status: criteria provided, single submitter. Criteria: ACMG Guidelines, 2015. Collection method: clinical testing. Allele origin: germline.